The following is an entry in ClinVar:

NM_001374828.1(ARID1B):c.6318C>T (p.His2106=)

Gene: ARID1B (AT-rich interaction domain 1B; plus strand). Cytogenetic location: 6q25.3.
Variant type: single nucleotide variant.
Coding change: c.6318C>T on transcript NM_001374828.1 (MANE Select); coding-DNA position 6318, C replaced by T.
Protein change: p.His2106=; no amino-acid change (histidine 2106 retained).
Molecular consequence: synonymous variant.
Genome position (GRCh38, 1-based): chr6:157,207,090, C>T. VCF-style: chr6-157207090-C-T. GRCh37 (hg19) VCF-style: chr6-157528224-C-T.
Other names: c.5949C>T (NM_020732.3); c.3819C>T, p.His1273= (NM_001363725.2); c.6198C>T, p.His2066= (NM_001371656.1, NM_001374820.1); c.6159C>T, p.His2053= (NM_017519.3).
Identifiers: ClinVar variation 444706 (VCV000444706.56), dbSNP rs142416998, ClinGen allele CA4067986.

ClinVar aggregate classification (germline): Likely benign. Review status: criteria provided, multiple submitters, no conflicts (2 of 4 stars). 5 submissions from 5 submitters: Likely benign (5). Last evaluated 2025-12-30.

Allele frequency attached by ClinVar (database versions not stated): ESP Exome Variant Server 0.00046; TOPMed 0.00016; gnomAD 0.00017; gnomAD exomes 0.00021 and 0.00024; ExAC 0.00023.
gnomAD v4.1: 368 of 1,614,062 alleles (0.023%); highest among the groups gnomAD compares: Middle Eastern, 0.099%; no homozygotes.

Submissions (5):

Labcorp Genetics (formerly Invitae), Labcorp
Classification: Likely benign. Last evaluated: 2025-12-30. Review status: criteria provided, single submitter. Criteria: Invitae Variant Classification Sherloc (09022015). Collection method: clinical testing. Allele origin: germline.

CeGaT Center for Human Genetics Tuebingen
Classification: Likely benign. Last evaluated: 2025-11-01. Review status: criteria provided, single submitter. Criteria: CeGaT Center For Human Genetics Tuebingen Variant Classification Criteria Version 2. Collection method: clinical testing. Allele origin: germline. Affected: yes. Observed: 5 variant alleles.
Comment: ARID1B: BP4, BP7

Blueprint Genetics
Classification: Likely benign. Last evaluated: 2024-11-14. Review status: criteria provided, single submitter. Criteria: ACMG Guidelines, 2015. Collection method: clinical testing. Allele origin: germline.

GeneDx
Classification: Likely benign. Last evaluated: 2021-10-24. Review status: criteria provided, single submitter. Criteria: GeneDx Variant Classification Process June 2021. Collection method: clinical testing. Allele origin: germline. Affected: yes.
Comment: See Variant Classification Assertion Criteria.

Genetic Services Laboratory, University of Chicago
Classification: Likely benign. Last evaluated: 2017-08-18. Review status: criteria provided, single submitter. Criteria: ACMG Guidelines, 2015. Collection method: clinical testing. Allele origin: germline. Affected: no.